The following is an entry in ClinVar:

ClinVar aggregate classification (germline): Pathogenic. Review status: criteria provided, multiple submitters, no conflicts (2 of 4 stars). 2 submissions from 2 submitters: Pathogenic (2). Last evaluated 2025-02-17.

Conditions:
Familial cold autoinflammatory syndrome 3 (FCAS3). Also called: FAMILIAL ATYPICAL COLD URTICARIA; ANTIBODY DEFICIENCY AND IMMUNE DYSREGULATION, PLCG2-ASSOCIATED. Identifiers: Orphanet 300359, MedGen C3280914, MONDO:0013766, OMIM 614468.

Submissions (2):

Labcorp Genetics (formerly Invitae), Labcorp
Classification: Pathogenic for Familial cold autoinflammatory syndrome 3. Last evaluated: 2025-02-17. Review status: criteria provided, single submitter. Criteria: Invitae Variant Classification Sherloc (09022015). Collection method: clinical testing. Allele origin: germline.
Comment: This sequence change replaces alanine, which is neutral and non-polar, with proline, which is neutral and non-polar, at codon 708 of the PLCG2 protein (p.Ala708Pro). This variant is not present in population databases (gnomAD no frequency). This missense change has been observed in individual(s) with clinical features of PLCG2-associated autoinflammation, antibody deficiency, and immune dysregulation (PMID: 30273710, 32671674). In at least one individual the variant was observed to be de novo. ClinVar contains an entry for this variant (Variation ID: 954960). An algorithm developed to predict the effect of missense changes on protein structure and function (PolyPhen-2) suggests that this variant is likely to be disruptive. Experimental studies have shown that this missense change affects PLCG2 function (PMID: 30344948, 32671674). For these reasons, this variant has been classified as Pathogenic.

GeneDx
Classification: Pathogenic. Last evaluated: 2024-10-15. Review status: criteria provided, single submitter. Criteria: GeneDx Variant Classification Process June 2021. Collection method: clinical testing. Allele origin: germline. Affected: yes.
Comment: Identified in patients with immune dysregulation, including as an apparently de novo variant, in published literature (PMID: 30273710, 32671674); Published functional studies demonstrate a damaging effect on protein function (PMID: 32671674); In silico analysis supports that this missense variant has a deleterious effect on protein structure/function; Not observed at significant frequency in large population cohorts (gnomAD); This variant is associated with the following publications: (PMID: 30344948, 28366935, 31465591, 30273710, 32671674)

Literature cited by the submitters: PubMed 30273710 (cited by Labcorp Genetics (formerly Invitae), Labcorp); PubMed 32671674 (cited by Labcorp Genetics (formerly Invitae), Labcorp); PubMed 30344948 (cited by Labcorp Genetics (formerly Invitae), Labcorp).

NM_002661.5(PLCG2):c.2122G>C (p.Ala708Pro)

Gene: PLCG2 (phospholipase C gamma 2; plus strand). Cytogenetic location: 16q23.3.
Variant type: single nucleotide variant.
Coding change: c.2122G>C on transcript NM_002661.5 (MANE Select); coding-DNA position 2122, G replaced by C.
Protein change: p.Ala708Pro; replaces alanine 708 with proline.
Molecular consequence: missense variant.
Genome position (GRCh38, 1-based): chr16:81,919,551, G>C. VCF-style: chr16-81919551-G-C. GRCh37 (hg19) VCF-style: chr16-81953156-G-C.
Other names: short protein forms A708P.
Identifiers: ClinVar variation 954960 (VCV000954960.10), dbSNP rs1381167403, ClinGen allele CA396901943.